The following is an entry in ClinVar:

NM_001351132.2(PEX5):c.*114C>T

Gene: PEX5 (peroxisomal biogenesis factor 5; plus strand). Cytogenetic location: 12p13.31.
Variant type: single nucleotide variant.
Coding change: c.*114C>T on transcript NM_001351132.2 (MANE Select); 114 bases downstream of the stop codon, C replaced by T.
Molecular consequence: 3 prime UTR variant. On other transcripts: intron variant (2).
Genome position (GRCh38, 1-based): chr12:7,210,337, C>T. VCF-style: chr12-7210337-C-T. GRCh37 (hg19) VCF-style: chr12-7362933-C-T.
Other names: c.*114C>T (NM_000319.5, NM_001131023.2, NM_001131024.2 and 20 more transcripts); c.*19+95C>T (NM_001131026.2, NM_001374646.1).
Identifiers: ClinVar variation 882116 (VCV000882116.4), dbSNP rs187571620, ClinGen allele CA232477727.

ClinVar aggregate classification (germline): Likely benign (1 of 4 stars; one submission).

Conditions:
Peroxisome biogenesis disorder 2A (Zellweger) (PBD2A). Also called: Cerebrohepatorenal syndrome, variant types. Identifiers: Orphanet 912, MedGen C3550273, MONDO:0008954, OMIM 214110.

Allele frequency attached by ClinVar (database versions not stated): 1000 Genomes Project 0.00339; 1000 Genomes Project 30x 0.00344; gnomAD 0.00306 and 0.00329; TOPMed 0.00363.
gnomAD v4.1: 789 of 972,206 alleles (0.081%); highest among the groups gnomAD compares: African/African-American, 0.89%; 1 homozygote.

Submission:

Illumina Laboratory Services, Illumina
Classification: Likely benign for Peroxisome biogenesis disorder 2A (Zellweger). Last evaluated: 2018-01-13. Review status: criteria provided, single submitter. Criteria: ICSL Variant Classification Criteria 13 December 2019. Collection method: clinical testing. Allele origin: germline.
Comment: This variant was observed in the ICSL laboratory as part of a predisposition screen in an ostensibly healthy population. It had not been previously curated by ICSL or reported in the Human Gene Mutation Database (HGMD: prior to June 1st, 2018), and was therefore a candidate for classification through an automated scoring system. Utilizing variant allele frequency, disease prevalence and penetrance estimates, and inheritance mode, an automated score was calculated to assess if this variant is too frequent to cause the disease. Based on the score and internal cut-off values, a variant classified as likely benign is not then subjected to further curation. The score for this variant resulted in a classification of likely benign for this disease.